The following continues an entry in ClinVar:

NM_000478.6(ALPL):c.542C>T (p.Ser181Leu)

Gene: ALPL. ClinVar aggregate classification (germline): Pathogenic/Likely pathogenic. Pathogenic (13); Likely pathogenic (6).

Submissions 11 to 20 of 20:

Baylor Genetics
Classification: Likely pathogenic for Adult hypophosphatasia. Last evaluated: 2024-03-22. Review status: criteria provided, single submitter. Criteria: ACMG Guidelines, 2015. Collection method: clinical testing. Allele origin: unknown.

Laboratory of Medical Genetics, National & Kapodistrian University of Athens
Classification: Pathogenic for Infantile hypophosphatasia. Last evaluated: 2024-02-01. Review status: criteria provided, single submitter. Criteria: ACMG Guidelines, 2015. Collection method: curation. Allele origin: germline. Affected: no.

Intergen Genetics and Rare Diseases Diagnosis Center
Classification: Pathogenic for Childhood hypophosphatasia. Last evaluated: 2023-12-26. Review status: criteria provided, single submitter. Criteria: ACMG Guidelines, 2015. Collection method: clinical testing. Allele origin: germline. Inheritance: Autosomal recessive inheritance. Affected: no. Observed: 1 heterozygote.

GeneDx
Classification: Likely pathogenic. Last evaluated: 2023-09-20. Review status: criteria provided, single submitter. Criteria: GeneDx Variant Classification Process June 2021. Collection method: clinical testing. Allele origin: germline. Affected: yes.
Comment: Observed as heterozygous with and without another ALPL variant in patients with hypophosphatasia in published literature (Spentchian et al., 2006; Nielson et al., 2012; Tenorio et al., 2017; Del Angel et al., 2020; Jandl et al., 2021); Published functional studies demonstrate a damaging effect on enzyme activity (Lia-Baldini et al., 2001); In silico analysis, which includes protein predictors and evolutionary conservation, supports that this variant does not alter protein structure/function; This variant is associated with the following publications: (PMID: 21956185, 11479741, 28127875, 26783040, 17253930, 16583935, 32160374, 33191482, 33549410, 33601892, 31589614, 33977024, 37600704, 36444396)

Women's Health and Genetics/Laboratory Corporation of America, LabCorp
Classification: Pathogenic for Hypophosphatasia. Last evaluated: 2022-05-25. Review status: criteria provided, single submitter. Criteria: LabCorp Variant Classification Summary - May 2015. Collection method: clinical testing. Allele origin: germline.
Comment: Variant summary: ALPL c.542C>T (p.Ser181Leu) results in a non-conservative amino acid change in the encoded protein sequence. Three of five in-silico tools predict a damaging effect of the variant on protein function. The variant allele was found at a frequency of 4e-05 in 251130 control chromosomes. This frequency is not significantly higher than estimated for a pathogenic variant in ALPL causing Hypophosphatasia (4e-05 vs 0.0035), allowing no conclusion about variant significance. c.542C>T has been reported in the literature as homozygous and compound heterozygous genotypes in multiple individuals affected with infantile/perinatal-lethal/childhood/odontoid presentations of Hypophosphatasia (example, Seefried_2017, Del Angel_2020). These data indicate that the variant is very likely to be associated with disease. Multiple publications report experimental evidence evaluating an impact on protein function. The most pronounced variant effect results in a partial reduction of normal activity (Del Angel_2020, Lia-Baldini_2001). Four clinical diagnostic laboratories have submitted clinical-significance assessments for this variant to ClinVar after 2014 without evidence for independent evaluation. All laboratories classified the variant as pathogenic/likely pathogenic. Based on the evidence outlined above, the variant was classified as pathogenic.

Laboratorio de Genetica e Diagnostico Molecular, Hospital Israelita Albert Einstein
Classification: Pathogenic for Infantile hypophosphatasia. Last evaluated: 2022-02-08. Review status: criteria provided, single submitter. Criteria: ACMG Guidelines, 2015. Collection method: clinical testing. Allele origin: germline. Affected: yes.
Comment: ACMG classification criteria: PS3 supporting, PS4 moderate, PM2 moderate, PM3 strong, PP3 supporting

Centre for Mendelian Genomics, University Medical Centre Ljubljana
Classification: Likely pathogenic for Adult hypophosphatasia. Last evaluated: 2018-11-07. Review status: criteria provided, single submitter. Criteria: ACMG Guidelines, 2015. Collection method: clinical testing. Allele origin: unknown. Affected: yes.
Comment: This variant was classified as: Likely pathogenic. The following ACMG criteria were applied in classifying this variant: PM1,PM2,PP2,PP5.

Eurofins Ntd Llc (ga)
Classification: Likely pathogenic. Last evaluated: 2017-09-12. Review status: criteria provided, single submitter. Criteria: EGL Classification Definitions 2015. Collection method: clinical testing. Allele origin: germline. Observed: 1 variant allele, 1 homozygote.

Juno Genomics, Hangzhou Juno Genomics, Inc
Classification: Pathogenic for Adult hypophosphatasia; Childhood hypophosphatasia; Infantile hypophosphatasia. Review status: criteria provided, single submitter. Criteria: ACMG Guidelines, 2015. Collection method: clinical testing. Allele origin: germline.
Comment: Absent from controls (or at extremely low frequency if recessive) in Genome Aggregation Database.;Well-established in vitro or in vivo functional studies supportive of a damaging effect on the gene or gene product.;For recessive disorders, detected in trans with a pathogenic variant.;The prevalence of the variant in affected individuals is significantly increased compared to the prevalence in controls.

Counsyl
Classification: Likely pathogenic for Infantile hypophosphatasia. Last evaluated: 2014-05-21. Review status: no assertion criteria provided. Collection method: literature only. Allele origin: unknown. Inheritance: Autosomal recessive inheritance. Not counted in ClinVar's aggregate classification.

Literature cited by the submitters: PubMed 11479741 (cited by 8 submitters); PubMed 16583935 (cited by 3 submitters); PubMed 17253930 (cited by 5 submitters); PubMed 32160374 (cited by 6 submitters); PubMed 33977024 (cited by 3 submitters); PubMed 33549410 (cited by 4 submitters); PubMed 26783040 (cited by Genomenon, Inc); PubMed 32973344 (cited by Genomenon, Inc); PubMed 36444396 (cited by Genomenon, Inc and Variantyx, Inc.); PubMed 34131769 (cited by Genomenon, Inc); PubMed 33191482 (cited by Genomenon, Inc); PubMed 28436937 (cited by Genomenon, Inc and Women's Health and Genetics/Laboratory Corporation of America, LabCorp); PubMed 33827627 (cited by Genomenon, Inc); PubMed 33601892 (cited by Ambry Genetics); PubMed 38523854 (cited by Ambry Genetics); PubMed 38895587 (cited by Ambry Genetics); PubMed 21956185 (cited by Counsyl).